The following is an entry in ClinVar:

NM_198578.4(LRRK2):c.4705C>T (p.Leu1569Phe)

Gene: LRRK2 (leucine rich repeat kinase 2; plus strand). Cytogenetic location: 12q12.
Variant type: single nucleotide variant.
Coding change: c.4705C>T on transcript NM_198578.4 (MANE Select); coding-DNA position 4705, C replaced by T.
Protein change: p.Leu1569Phe; replaces leucine 1569 with phenylalanine.
Molecular consequence: missense variant.
Genome position (GRCh38, 1-based): chr12:40,314,140, C>T. VCF-style: chr12-40314140-C-T. GRCh37 (hg19) VCF-style: chr12-40707942-C-T.
Other names: short protein forms L1569F.
Identifiers: ClinVar variation 1742569 (VCV001742569.2), dbSNP rs2499847068, ClinGen allele CA384419096.

ClinVar aggregate classification (germline): Uncertain significance (1 of 4 stars; one submission).

Conditions:
Inborn genetic diseases. Identifiers: MedGen C0950123, MeSH D030342.

Submission:

Ambry Genetics
Classification: Uncertain significance for Inborn genetic diseases. Last evaluated: 2021-10-13. Review status: criteria provided, single submitter. Criteria: Ambry Variant Classification Scheme 2023. Collection method: clinical testing. Allele origin: germline.
Comment: The p.L1569F variant (also known as c.4705C>T), located in coding exon 32 of the LRRK2 gene, results from a C to T substitution at nucleotide position 4705. The leucine at codon 1569 is replaced by phenylalanine, an amino acid with highly similar properties. This amino acid position is conserved. In addition, the in silico prediction for this alteration is inconclusive. Since supporting evidence is limited at this time, the clinical significance of this alteration remains unclear.